The following is an entry in ClinVar:

NM_000286.3(PEX12):c.730_733dup (p.Leu245fs)

Gene: PEX12 (peroxisomal biogenesis factor 12; minus strand). Cytogenetic location: 17q12.
Variant type: Duplication.
Coding change: c.730_733dup on transcript NM_000286.3 (MANE Select); coding-DNA positions 730 to 733, 4 bases duplicated (GCCT; older notation c.730_733dupGCCT).
Protein change: p.Leu245fs; shifts the reading frame from leucine 245.
Molecular consequence: frameshift variant.
Genome position (GRCh38, 1-based): chr17:35,576,129-35,576,132, AGGC duplicated on the plus strand (GCCT on the coding strand, the reverse complement: PEX12 is on the minus strand); duplicating any 4 consecutive bases within chr17:35,576,129-35,576,133 gives the same sequence; the c. name uses the placement nearest the transcript's 3' end. VCF-style (leftmost placement, unchanged base first): chr17-35576128-A-AAGGC. GRCh37 (hg19) VCF-style: chr17-33903147-A-AAGGC.
Other names: c.730_733dup (NM_000286.2); short protein forms L245fs.
Identifiers: ClinVar variation 371737 (VCV000371737.29), dbSNP rs61752107, ClinGen allele CA8504850.

ClinVar aggregate classification (germline): Pathogenic/Likely pathogenic. Review status: criteria provided, multiple submitters, no conflicts (2 of 4 stars). 12 submissions from 11 submitters: Pathogenic (7); Likely pathogenic (2). 3 of the submissions do not count toward it. Last evaluated 2025-04-19.

Conditions:
Peroxisome biogenesis disorder 3A (Zellweger). Also called: Peroxisome biogenesis disorder 3A; PEROXISOMAL BIOGENESIS DISORDER 3A (ZELLWEGER). Identifiers: Orphanet 912, MedGen C3553929, MONDO:0013927, OMIM 614859.
Peroxisome biogenesis disorder. Identifiers: Orphanet 79189, MedGen C1832200, MONDO:0019234. Disease mechanism: loss of function.
PEX12-related disorder. Also called: PEX12-related disorders; PEX12-related condition.
Peroxisome biogenesis disorder type 3B. Identifiers: Orphanet 44, Orphanet 772, MedGen C3550693, MONDO:0009959, OMIM 266510.

Submissions (12):

PreventionGenetics, part of Exact Sciences
Classification: Likely pathogenic for PEX12-related condition. Last evaluated: 2025-04-19. Review status: criteria provided, single submitter. Criteria: ACMG Guidelines, 2015. Collection method: clinical testing. Allele origin: germline.
Comment: The PEX12 c.730_733dupGCCT variant is predicted to result in a frameshift and premature protein termination (p.Leu245Cysfs*19). This variant was reported along with a second likely causative variant in an individual with peroxisome biogenesis disorder (Chang et al. 1997. PubMed ID: 9090384). This variant is reported in 0.0036% of alleles in individuals of European (Non-Finnish) descent in gnomAD. Frameshift variants in PEX12 are expected to be pathogenic. This variant is interpreted as likely pathogenic.

GeneDx
Classification: Likely pathogenic. Last evaluated: 2024-08-19. Review status: criteria provided, single submitter. Criteria: GeneDx Variant Classification Process June 2021. Collection method: clinical testing. Allele origin: germline. Affected: yes.
Comment: Frameshift variant predicted to result in abnormal protein length as the last 115 amino acids are replaced with 18 different amino acids, and other similar variants have been reported in HGMD; Not observed at significant frequency in large population cohorts (gnomAD); This variant is associated with the following publications: (PMID: 9090384, 19105186, 21031596, 19877282, 15542397, 9792857, 29389947)

Labcorp Genetics (formerly Invitae), Labcorp
Classification: Pathogenic for Peroxisome biogenesis disorder 3A (Zellweger). Last evaluated: 2024-03-10. Review status: criteria provided, single submitter. Criteria: Invitae Variant Classification Sherloc (09022015). Collection method: clinical testing. Allele origin: germline.
Comment: This sequence change creates a premature translational stop signal (p.Leu245Cysfs*19) in the PEX12 gene. While this is not anticipated to result in nonsense mediated decay, it is expected to disrupt the last 115 amino acid(s) of the PEX12 protein. This variant is present in population databases (rs61752107, gnomAD 0.004%). This premature translational stop signal has been observed in individuals with peroxisome biogenesis disorders (PMID: 9090384, 19105186). This variant is also known as c.733_734insGCCT. ClinVar contains an entry for this variant (Variation ID: 371737). Studies have shown that this premature translational stop signal alters PEX12 gene expression (PMID: 9090384). This variant disrupts a region of the PEX12 protein in which other variant(s) (p.Leu297Thrfs*12) have been determined to be pathogenic (PMID: 9792857, 14571262, 21031596, 25287621, 26094004). This suggests that this is a clinically significant region of the protein, and that variants that disrupt it are likely to be disease-causing. For these reasons, this variant has been classified as Pathogenic.

Blueprint Genetics
Classification: Pathogenic for PEX12-related disorders. Last evaluated: 2024-02-02. Review status: criteria provided, single submitter. Criteria: ACMG Guidelines, 2015. Collection method: clinical testing. Allele origin: germline. Affected: yes. Observed: 3 variant alleles.

Baylor Genetics
Classification: Pathogenic for Peroxisome biogenesis disorder 3A (Zellweger). Last evaluated: 2023-12-29. Review status: criteria provided, single submitter. Criteria: ACMG Guidelines, 2015. Collection method: clinical testing. Allele origin: unknown.

Women's Health and Genetics/Laboratory Corporation of America, LabCorp
Classification: Pathogenic for Peroxisome biogenesis disorders, Zellweger syndrome spectrum. Last evaluated: 2018-08-02. Review status: criteria provided, single submitter. Criteria: LabCorp Variant Classification Summary - May 2015. Collection method: clinical testing. Allele origin: germline.
Comment: Variant summary: PEX12 c.730_733dupGCCT (p.Leu245CysfsX19) results in a premature termination codon, predicted to cause a truncation of the encoded protein or absence of the protein due to nonsense mediated decay, which are commonly known mechanisms for disease. A truncation downstream of this position have been classified as pathogenic by our laboratory, c.888_889delCT (p.Leu297fsX12). The variant allele was found at a frequency of 1.6e-05 in 244662 control chromosomes (gnomAD). The variant, c.730_733dupGCCT has been reported in the literature in individuals affected with Zellweger Syndrome spectrum disorders (Chang_1998, Cordoba_2018, Ebberink_2010,Yik_2009). These data indicate that the variant may be associated with disease. One publication reports experimental evidence evaluating an impact on protein function, however, does not allow convincing conclusions about the variant effect (Chang_1998). A ClinVar submission from another clinical diagnostic laboratory (evaluation after 2014) cites the variant as "pathogenic." Based on the evidence outlined above, the variant was classified as pathogenic.

Eurofins Ntd Llc (ga)
Classification: Pathogenic. Last evaluated: 2018-04-17. Review status: criteria provided, single submitter. Criteria: EGL ClinVar v180209 classification definitions. Collection method: clinical testing. Allele origin: germline. Observed: 2 variant alleles, 2 heterozygotes.

Illumina Laboratory Services, Illumina
Classification: Pathogenic for Peroxisome biogenesis disorder 3A (Zellweger). Last evaluated: 2017-09-05. Review status: criteria provided, single submitter. Criteria: ICSL Variant Classification Criteria 09 May 2019. Collection method: clinical testing. Allele origin: germline.
Comment: The PEX12 c.730_733dupGCCT (p.Leu245CysfsTer19) variant has been reported in two studies and identified in three patients in a compound heterozygous state and one patient in a heterozygous state, all with peroxisome biogenesis disorders, with three specifically noted to be in the Zellweger syndrome spectrum (Chang et al. 1997; Steinberg et al. 2004; Yik et al. 2009; Ebberink et al. 2011). All individuals with the variant in a compound heterozygous state had a second insertion variant. Control data are unavailable for the p.Leu245CysfsTer19 variant, but it is reported at a frequency of 0.000045 in the European (non-Finnish) population of the Exome Aggregation Consortium. To evaluate the effect of PEX12 expression on peroxisomal protein import, Chang et al. (1997) used patient fibroblasts and noted that when the variant was present, cDNA expression was observed in the cytoplasm only; however, expression of PEX12 in these cells reversed the effect and import into the peroxisomes was observed. Based on the evidence and due to the potential impact of frameshift variants, the p.Leu245CysfsTer19 variant is classified as pathogenic for Zellweger syndrome. This variant was observed by ICSL as part of a predisposition screen in an ostensibly healthy population.

Rady Children's Institute for Genomic Medicine, Rady Children's Hospital San Diego
Classification: Pathogenic for PEX12-related disorders. Review status: criteria provided, single submitter. Criteria: ACMG Guidelines, 2015. Collection method: clinical testing. Allele origin: germline. Affected: yes.
Comment: This frameshift variant is found in the last exon of PEX12 and it is therefore predicted to escape nonsense-mediated mRNA decay (NMD). Truncating variants located downstream of this alteration have been reported in individuals with PEX12-related disorders in the literature (PMID: 26094004). This variant, also referred to as c.733-734insGCCT and c.733-734insGCC (p.L245Cfsx19), has been previously reported as a compound heterozygous change in two individuals with peroxisome biogenesis disorder (PMID: 9090384, 9792857, 15542397, 29389947, 21031596). The c.730_733dup (p.Leu245CysfsTer19) variant is present in the heterozygous state in the gnomAD population database at a frequency of 0.0016% (4/249910) and is absent in the homozygous state, thus is presumed to be rare. Based on the available evidence, the c.730_733dup (p.Leu245CysfsTer19) variant is classified as Pathogenic.

Counsyl
Classification: Pathogenic for Peroxisome biogenesis disorder type 3B. Last evaluated: 2016-08-16. Review status: no assertion criteria provided. Collection method: clinical testing. Allele origin: unknown. Not counted in ClinVar's aggregate classification.

Counsyl
Classification: Pathogenic for Peroxisome biogenesis disorder 3A (Zellweger). Last evaluated: 2016-08-16. Review status: no assertion criteria provided. Collection method: clinical testing. Allele origin: unknown. Not counted in ClinVar's aggregate classification.

OMIM
Classification: Pathogenic for PEROXISOMAL BIOGENESIS DISORDER 3A (ZELLWEGER). Last evaluated: 1997-04-01. Review status: no assertion criteria provided. Collection method: literature only. Allele origin: germline. Not counted in ClinVar's aggregate classification.

Literature cited by the submitters: PubMed 9090384 (cited by 4 submitters); PubMed 19105186 (cited by 4 submitters); PubMed 9792857 (cited by Labcorp Genetics (formerly Invitae), Labcorp and Women's Health and Genetics/Laboratory Corporation of America, LabCorp); PubMed 14571262 (cited by Labcorp Genetics (formerly Invitae), Labcorp); PubMed 21031596 (cited by Labcorp Genetics (formerly Invitae), Labcorp and Illumina Laboratory Services, Illumina); PubMed 25287621 (cited by Labcorp Genetics (formerly Invitae), Labcorp); PubMed 26094004 (cited by Labcorp Genetics (formerly Invitae), Labcorp); PubMed 19877282 (cited by Women's Health and Genetics/Laboratory Corporation of America, LabCorp); PubMed 29389947 (cited by Women's Health and Genetics/Laboratory Corporation of America, LabCorp); PubMed 15542397 (cited by Illumina Laboratory Services, Illumina).